The following is an entry in ClinVar:

ClinVar aggregate classification (germline): Likely pathogenic (1 of 4 stars; one submission).

Conditions:
Inborn genetic diseases. Identifiers: MedGen C0950123, MeSH D030342.

Submission:

Ambry Genetics
Classification: Likely pathogenic for Inborn genetic diseases. Last evaluated: 2026-03-20. Review status: criteria provided, single submitter. Criteria: Ambry Variant Classification Scheme 2023. Collection method: clinical testing. Allele origin: germline.
Comment: The c.2819G>A (p.C940Y) alteration is located in exon 16 (coding exon 15) of the SCN2A gene. This alteration results from a G to A substitution at nucleotide position 2819, causing the cysteine (C) at amino acid position 940 to be replaced by a tyrosine (Y). This variant was not reported in population-based cohorts in the Genome Aggregation Database (gnomAD). This variant was reported in individual(s) with features consistent with SCN2A-related disorders (Gowda, 2023). This amino acid position is highly conserved in available vertebrate species. This missense variant is located in a region that has a low rate of benign missense variation (Lek, 2016; Firth, 2009). This alteration is predicted to be deleterious by in silico analysis. Based on the available evidence, this alteration is classified as likely pathogenic.

Literature cited by the submitters: PubMed 36684540.

NM_001040142.2(SCN2A):c.2819G>A (p.Cys940Tyr)

Gene: SCN2A (sodium voltage-gated channel alpha subunit 2; plus strand). Cytogenetic location: 2q24.3.
Variant type: single nucleotide variant.
Coding change: c.2819G>A on transcript NM_001040142.2 (MANE Select); coding-DNA position 2819, G replaced by A.
Protein change: p.Cys940Tyr; replaces cysteine 940 with tyrosine.
Molecular consequence: missense variant.
Genome position (GRCh38, 1-based): chr2:165,344,811, G>A. VCF-style: chr2-165344811-G-A. GRCh37 (hg19) VCF-style: chr2-166201321-G-A.
Other names: c.2819G>A, p.Cys940Tyr (NM_001040143.2, NM_001371246.1, NM_001371247.1 and 1 more transcripts); short protein forms C940Y.
Identifiers: ClinVar variation 2260702 (VCV002260702.3), dbSNP rs2468008270, ClinGen allele CA349015820.